The following is an entry in ClinVar:

NM_004055.5(CAPN5):c.894-16G>A

Gene: CAPN5 (calpain 5; plus strand). Cytogenetic location: 11q13.5.
Variant type: single nucleotide variant.
Coding change: c.894-16G>A on transcript NM_004055.5 (MANE Select); 16 bases into the intron before coding-DNA position 894, G replaced by A.
Molecular consequence: intron variant.
Genome position (GRCh38, 1-based): chr11:77,116,210, G>A. VCF-style: chr11-77116210-G-A. GRCh37 (hg19) VCF-style: chr11-76827256-G-A.
Other names: c.894-16G>A (NM_001425322.1); c.1014-16G>A (NM_001425321.1); c.762-16G>A (NM_001425323.1).
Identifiers: ClinVar variation 4762870 (VCV004762870.1).

ClinVar aggregate classification (germline): Uncertain significance (1 of 4 stars; one submission).

Submission:

Labcorp Genetics (formerly Invitae), Labcorp
Classification: Uncertain significance. Last evaluated: 2026-01-17. Review status: criteria provided, single submitter. Criteria: Invitae Variant Classification Sherloc (09022015). Collection method: clinical testing. Allele origin: germline.
Comment: This sequence change falls in intron 6 of the CAPN5 gene. It does not directly change the encoded amino acid sequence of the CAPN5 protein. This variant is not present in population databases (gnomAD no frequency). This variant has not been reported in the literature in individuals affected with CAPN5-related conditions. Algorithms developed to predict the effect of sequence changes on RNA splicing suggest that this variant may disrupt the consensus splice site. In summary, the available evidence is currently insufficient to determine the role of this variant in disease. Therefore, it has been classified as a Variant of Uncertain Significance.